The following is an entry in ClinVar:

ClinVar aggregate classification (germline): Uncertain significance. Review status: criteria provided, multiple submitters, no conflicts (2 of 4 stars). 7 submissions from 7 submitters: Uncertain significance (5). 2 of the submissions do not count toward it. Last evaluated 2026-06-22.

Conditions:
Jeune thoracic dystrophy. Also called: Jeune syndrome; Infantile thoracic dystrophy; Thoracic pelvic phalangeal dystrophy; Jeune's syndrome; Chondroectodermal dysplasia-like syndrome; Short-rib thoracic dysplasia. Identifiers: Orphanet 474, MedGen C0265275, MONDO:0018770.
Curry-Hall syndrome (WAD). Also called: WEYERS ACRODENTAL DYSOSTOSIS. Identifiers: Orphanet 952, MedGen C0457013, MONDO:0008673, OMIM 193530.
Ellis-van Creveld syndrome (EVC). Also called: MESOECTODERMAL DYSPLASIA; Chondroectodermal dysplasia. Identifiers: Orphanet 289, MedGen C0013903, MONDO:0009162, OMIM 225500.

Allele frequency attached by ClinVar (database versions not stated): gnomAD exomes 0.00002 and 0.00012; gnomAD 0.00007 and 0.00009; ExAC 0.00009; TOPMed 0.00010; 1000 Genomes Project 30x 0.00016; 1000 Genomes Project 0.00020.

Submissions (7):

Women's Health and Genetics/Laboratory Corporation of America, LabCorp
Classification: Uncertain significance. Last evaluated: 2026-06-22. Review status: criteria provided, single submitter. Criteria: LabCorp Variant Classification Summary - May 2015. Collection method: clinical testing. Allele origin: germline.
Comment: Variant summary: EVC2 c.2739G>C (p.Lys913Asn) results in a non-conservative amino acid change in the encoded protein sequence. Algorithms developed to predict the effect of missense changes on protein structure and function are either unavailable or do not agree on the potential impact of this missense change. The variant allele was found at a frequency of 0.00012 in 251470 control chromosomes. This frequency is not significantly higher than estimated for disease-causing variants in EVC2, allowing no conclusion about variant significance. c.2739G>C has been observed in an individual affected with EVC2-related conditions (Zhang_2019). These report(s) do not provide unequivocal conclusions about association of the variant with disease. To our knowledge, no experimental evidence demonstrating an impact on protein function has been reported. The following publication have been ascertained in the context of this evaluation (PMID: 29068549). ClinVar contains an entry for this variant (Variation ID: 446693). Based on the evidence outlined above, the variant was classified as uncertain significance.

Blueprint Genetics
Classification: Uncertain significance. Last evaluated: 2024-10-28. Review status: criteria provided, single submitter. Criteria: ACMG Guidelines, 2015. Collection method: clinical testing. Allele origin: germline.

Labcorp Genetics (formerly Invitae), Labcorp
Classification: Uncertain significance for Curry-Hall syndrome; Ellis-van Creveld syndrome. Last evaluated: 2024-01-24. Review status: criteria provided, single submitter. Criteria: Invitae Variant Classification Sherloc (09022015). Collection method: clinical testing. Allele origin: germline.
Comment: This sequence change replaces lysine, which is basic and polar, with asparagine, which is neutral and polar, at codon 913 of the EVC2 protein (p.Lys913Asn). This variant is present in population databases (rs180747811, gnomAD 0.2%). This variant has not been reported in the literature in individuals affected with EVC2-related conditions. ClinVar contains an entry for this variant (Variation ID: 446693). An algorithm developed to predict the effect of missense changes on protein structure and function (PolyPhen-2) suggests that this variant is likely to be disruptive. In summary, the available evidence is currently insufficient to determine the role of this variant in disease. Therefore, it has been classified as a Variant of Uncertain Significance.

Fulgent Genetics
Classification: Uncertain significance for Curry-Hall syndrome; Ellis-van Creveld syndrome. Last evaluated: 2022-03-09. Review status: criteria provided, single submitter. Criteria: ACMG Guidelines, 2015. Collection method: clinical testing. Allele origin: unknown.

GeneDx
Classification: Uncertain significance. Last evaluated: 2020-12-15. Review status: criteria provided, single submitter. Criteria: GeneDx Variant Classification Process June 2021. Collection method: clinical testing. Allele origin: germline. Affected: yes.
Comment: In silico analysis supports that this missense variant does not alter protein structure/function; This variant is associated with the following publications: (PMID: 29068549)

Dan Cohn Lab, University Of California Los Angeles
Classification: Uncertain significance for Asphyxiating thoracic dystrophy. Last evaluated: 2017-06-01. Review status: no assertion criteria provided. Collection method: research. Allele origin: paternal. Affected: yes. Not counted in ClinVar's aggregate classification.

University of Washington Center for Mendelian Genomics, University of Washington
Classification: Likely pathogenic for asphyxiating thoracic dystrophy. Review status: no assertion criteria provided. Collection method: research. Allele origin: inherited. Affected: yes. Not counted in ClinVar's aggregate classification.

Literature cited by the submitters: PubMed 29068549 (cited by 3 submitters).

NM_147127.5(EVC2):c.2739G>C (p.Lys913Asn)

Gene: EVC2 (EvC ciliary complex subunit 2; minus strand). Cytogenetic location: 4p16.2.
Variant type: single nucleotide variant.
Coding change: c.2739G>C on transcript NM_147127.5 (MANE Select); coding-DNA position 2739, G replaced by C.
Protein change: p.Lys913Asn; replaces lysine 913 with asparagine.
Molecular consequence: missense variant.
Genome position (GRCh38, 1-based): chr4:5,615,512, C>G on the plus strand (G>C on the coding strand, the complement: EVC2 is on the minus strand). VCF-style: chr4-5615512-C-G. GRCh37 (hg19) VCF-style: chr4-5617239-C-G.
Other names: c.2499G>C, p.Lys833Asn (NM_001166136.2); short protein forms K913N, K833N.
Identifiers: ClinVar variation 446693 (VCV000446693.11), dbSNP rs180747811, ClinGen allele CA2834594.